The following is an entry in ClinVar:

NM_000138.5(FBN1):c.3181C>T (p.Leu1061Phe)

Gene: FBN1 (fibrillin 1; minus strand). Cytogenetic location: 15q21.1.
Variant type: single nucleotide variant.
Coding change: c.3181C>T on transcript NM_000138.5 (MANE Select); coding-DNA position 3181, C replaced by T.
Protein change: p.Leu1061Phe; replaces leucine 1061 with phenylalanine.
Molecular consequence: missense variant.
Genome position (GRCh38, 1-based): chr15:48,488,395, G>A on the plus strand (C>T on the coding strand, the complement: FBN1 is on the minus strand). VCF-style: chr15-48488395-G-A. GRCh37 (hg19) VCF-style: chr15-48780592-G-A.
Other names: short protein forms L1061F.
Identifiers: ClinVar variation 1332100 (VCV001332100.3), dbSNP rs781064769, ClinGen allele CA392327938.

ClinVar aggregate classification (germline): Uncertain significance (1 of 4 stars; one submission).

Conditions:
Familial thoracic aortic aneurysm and aortic dissection (TAAD). Also called: Thoracic aortic aneurysms and dissections. Identifiers: Orphanet 91387, MedGen C4707243, MONDO:0019625.

Submission:

Color Diagnostics, LLC DBA Color Health
Classification: Uncertain significance for Familial thoracic aortic aneurysm and aortic dissection. Last evaluated: 2024-03-06. Review status: criteria provided, single submitter. Criteria: ACMG Guidelines, 2015. Collection method: clinical testing. Allele origin: germline.
Comment: This missense variant replaces leucine with phenylalanine at codon 1061 of the FBN1 protein. Computational prediction suggests that this variant may have deleterious impact on protein structure and function (internally defined REVEL score threshold >= 0.7, PMID: 27666373). To our knowledge, functional studies have not been reported for this variant. This variant has not been reported in individuals affected with cardiovascular disorders in the literature. This variant has not been identified in the general population by the Genome Aggregation Database (gnomAD). The available evidence is insufficient to determine the role of this variant in disease conclusively. Therefore, this variant is classified as a Variant of Uncertain Significance.